The following is an entry in ClinVar:

ClinVar aggregate classification (germline): Conflicting classifications of pathogenicity. Review status: criteria provided, conflicting classifications (1 of 4 stars). 2 submissions from 2 submitters: Uncertain significance (1); Likely benign (1). Last evaluated 2024-05-02.

gnomAD v4.1: 2 of 1,614,136 alleles (0.00012%); highest among the groups gnomAD compares: Admixed American, 0.0033%; no homozygotes.

Submissions (2):

Women's Health and Genetics/Laboratory Corporation of America, LabCorp
Classification: Uncertain significance. Last evaluated: 2024-05-02. Review status: criteria provided, single submitter. Criteria: LabCorp Variant Classification Summary - May 2015. Collection method: clinical testing. Allele origin: germline.
Comment: Variant summary: KMT2C c.12434G>T (p.Arg4145Leu) results in a non-conservative amino acid change in the encoded protein sequence. Three of five in-silico tools predict a benign effect of the variant on protein function. The variant allele was found at a frequency of 8e-06 in 251420 control chromosomes. The available data on variant occurrences in the general population are insufficient to allow any conclusion about variant significance. To our knowledge, no occurrence of c.12434G>T in individuals affected with Kleefstra Syndrome 2 and no experimental evidence demonstrating its impact on protein function have been reported. ClinVar contains an entry for this variant (Variation ID: 2897430). Based on the evidence outlined above, the variant was classified as uncertain significance.

Labcorp Genetics (formerly Invitae), Labcorp
Classification: Likely benign. Last evaluated: 2024-02-07. Review status: criteria provided, single submitter. Criteria: Invitae Variant Classification Sherloc (09022015). Collection method: clinical testing. Allele origin: germline.

NM_170606.3(KMT2C):c.12434G>T (p.Arg4145Leu)

Gene: KMT2C (lysine methyltransferase 2C; minus strand). Cytogenetic location: 7q36.1.
Variant type: single nucleotide variant.
Coding change: c.12434G>T on transcript NM_170606.3 (MANE Select); coding-DNA position 12434, G replaced by T.
Protein change: p.Arg4145Leu; replaces arginine 4145 with leucine.
Molecular consequence: missense variant.
Genome position (GRCh38, 1-based): chr7:152,152,797, C>A on the plus strand (G>T on the coding strand, the complement: KMT2C is on the minus strand). VCF-style: chr7-152152797-C-A. GRCh37 (hg19) VCF-style: chr7-151849882-C-A.
Other names: short protein forms R4145L.
Identifiers: ClinVar variation 2897430 (VCV002897430.4), dbSNP rs143770207, ClinGen allele CA4578803.